The following is an entry in ClinVar:

NM_001367721.1(CASK):c.2678C>A (p.Thr893Lys)

Genes: CASK (calcium/calmodulin dependent serine protein kinase; minus strand), CASK-AS1 (CASK antisense RNA 1; plus strand). Cytogenetic location: Xp11.4.
Variant type: single nucleotide variant.
Coding change: c.2678C>A on transcript NM_001367721.1 (MANE Select); coding-DNA position 2678, C replaced by A.
Protein change: p.Thr893Lys; replaces threonine 893 with lysine.
Molecular consequence: missense variant.
Genome position (GRCh38, 1-based): chrX:41,520,523, G>T on the plus strand (C>A on the coding strand, the complement: CASK is on the minus strand). VCF-style: chrX-41520523-G-T. GRCh37 (hg19) VCF-style: chrX-41379776-G-T.
Other names: c.2594C>A, p.Thr865Lys (NM_001126054.3); c.2591C>A, p.Thr864Lys (NM_001126055.3); c.2660C>A, p.Thr887Lys (NM_001410745.1); c.2663C>A, p.Thr888Lys (NM_003688.4); short protein forms T864K, T865K, T887K, T888K, T893K.
Identifiers: ClinVar variation 1810280 (VCV001810280.1), dbSNP rs2519652141, ClinGen allele CA412988869.

ClinVar aggregate classification (germline): Uncertain significance (1 of 4 stars; one submission).

Conditions:
Global developmental delay (DD). Also called: Cognitive delay. Identifiers: MedGen C0557874, HP:0001263. Disease mechanism: loss of function.

Submission:

Human Genetics Bochum, Ruhr University Bochum
Classification: Uncertain significance for Global developmental delay. Last evaluated: 2022-12-06. Review status: criteria provided, single submitter. Criteria: ACMG Guidelines, 2015. Collection method: clinical testing. Allele origin: germline. Affected: yes.
Comment: ACMG criteria used to clasify this variant: PP3_MOD, PM2_SUP